The following is an entry in ClinVar:

ClinVar aggregate classification (germline): Uncertain significance (1 of 4 stars; one submission).

Conditions:
Hereditary spastic paraplegia 11. Also called: SPASTIC PARAPLEGIA, AUTOSOMAL RECESSIVE, COMPLICATED, WITH THIN CORPUS CALLOSUM; SPASTIC PARAPLEGIA, AUTOSOMAL RECESSIVE, WITH MENTAL IMPAIRMENT AND THIN CORPUS CALLOSUM; Spastic paraplegia, mental retardation and thin corpus callosum; Nakamura Osame syndrome; Autosomal recessive hereditary spastic paraplegia, mental impairment, and thin corpus callosum; Spastic Paraplegia 11. Identifiers: Orphanet 2822, MedGen C1858479, MONDO:0011445, OMIM 604360.

Allele frequency attached by ClinVar (database versions not stated): gnomAD exomes below 0.00001.
gnomAD v4.1: 2 of 1,613,690 alleles (0.00012%); highest among the groups gnomAD compares: Admixed American, 0.0033%; no homozygotes.

Submission:

Labcorp Genetics (formerly Invitae), Labcorp
Classification: Uncertain significance for Hereditary spastic paraplegia 11. Last evaluated: 2022-08-15. Review status: criteria provided, single submitter. Criteria: Invitae Variant Classification Sherloc (09022015). Collection method: clinical testing. Allele origin: germline.
Comment: This sequence change replaces alanine, which is neutral and non-polar, with threonine, which is neutral and polar, at codon 951 of the SPG11 protein (p.Ala951Thr). This variant is present in population databases (no rsID available, gnomAD 0.003%). This variant has not been reported in the literature in individuals affected with SPG11-related conditions. ClinVar contains an entry for this variant (Variation ID: 1506948). Algorithms developed to predict the effect of missense changes on protein structure and function output the following: SIFT: "Tolerated"; PolyPhen-2: "Benign"; Align-GVGD: "Class C0". The threonine amino acid residue is found in multiple mammalian species, which suggests that this missense change does not adversely affect protein function. In summary, the available evidence is currently insufficient to determine the role of this variant in disease. Therefore, it has been classified as a Variant of Uncertain Significance.

NM_025137.4(SPG11):c.2851G>A (p.Ala951Thr)

Gene: SPG11 (SPG11 vesicle trafficking associated, spatacsin; minus strand). Cytogenetic location: 15q21.1.
Variant type: single nucleotide variant.
Coding change: c.2851G>A on transcript NM_025137.4 (MANE Select); coding-DNA position 2851, G replaced by A.
Protein change: p.Ala951Thr; replaces alanine 951 with threonine.
Molecular consequence: missense variant.
Genome position (GRCh38, 1-based): chr15:44,615,550, C>T on the plus strand (G>A on the coding strand, the complement: SPG11 is on the minus strand). VCF-style: chr15-44615550-C-T. GRCh37 (hg19) VCF-style: chr15-44907748-C-T.
Other names: c.2851G>A, p.Ala951Thr (NM_001160227.2); short protein forms A951T.
Identifiers: ClinVar variation 1506948 (VCV001506948.3), dbSNP rs1431880035, ClinGen allele CA392229614.